The following is an entry in ClinVar:

ClinVar aggregate classification (germline): Pathogenic (1 of 4 stars; one submission).

Conditions:
Nemaline myopathy 2 (NEM2). Also called: Nemaline myopathy 2, autosomal recessive. Identifiers: MedGen C1850569, MONDO:0009725, OMIM 256030.

Submission:

Myriad Genetics, Inc.
Classification: Pathogenic for Nemaline myopathy 2. Last evaluated: 2026-03-15. Review status: criteria provided, single submitter. Criteria: Myriad Autosomal Dominant, Autosomal Recessive and X-Linked Classification Criteria (2023). Collection method: clinical testing. Allele origin: unknown.
Comment: NM_001271208.1(NEB):c.24991G>T(E8331*) is expected to be pathogenic in the context of NEB-related nemaline myopathy. This variant is predicted to lead to an abnormal or absent protein product due to the creation of a premature termination codon in NEB, a gene where loss-of-function variants are known to be pathogenic. Please note: this variant was assessed in the context of healthy population screening.

NM_001164508.2(NEB):c.24886G>T (p.Glu8296Ter)

Genes: NEB (nebulin; minus strand), RIF1 (replication timing regulatory factor 1; plus strand). Cytogenetic location: 2q23.3.
Variant type: single nucleotide variant.
Coding change: c.24886G>T on transcript NM_001164508.2 (MANE Select); coding-DNA position 24886, G replaced by T.
Protein change: p.Glu8296Ter; replaces glutamic acid 8296 with a stop codon.
Molecular consequence: nonsense.
Genome position (GRCh38, 1-based): chr2:151,492,269, C>A on the plus strand (G>T on the coding strand, the complement: NEB is on the minus strand). VCF-style: chr2-151492269-C-A. GRCh37 (hg19) VCF-style: chr2-152348783-C-A.
Other names: c.24886G>T, p.Glu8296Ter (NM_001164507.2); c.24991G>T, p.Glu8331Ter (NM_001271208.2); c.19318G>T, p.Glu6440Ter (NM_004543.5); short protein forms E6440*, E8296*, E8331*.
Identifiers: ClinVar variation 5015684 (VCV005015684.1).